The following is an entry in ClinVar:

ClinVar aggregate classification (germline): Uncertain significance (1 of 4 stars; one submission).

gnomAD v4.1: 2 of 1,613,198 alleles (0.00012%); highest among the groups gnomAD compares: Non-Finnish European, 0.00017%; no homozygotes.

Submission:

Ambry Genetics
Classification: Uncertain significance. Last evaluated: 2024-04-09. Review status: criteria provided, single submitter. Criteria: Ambry Variant Classification Scheme 2023. Collection method: clinical testing. Allele origin: germline.
Comment: The p.A731T variant (also known as c.2191G>A), located in coding exon 11 of the PALLD gene, results from a G to A substitution at nucleotide position 2191. The alanine at codon 731 is replaced by threonine, an amino acid with similar properties. This amino acid position is conserved. In addition, this alteration is predicted to be tolerated by in silico analysis. Based on the available evidence, the clinical significance of this variant remains unclear.

NM_001166108.2(PALLD):c.2191G>A (p.Ala731Thr)

Genes: CBR4 (carbonyl reductase 4; minus strand), PALLD (palladin, cytoskeletal associated protein; plus strand). Cytogenetic location: 4q32.3.
Variant type: single nucleotide variant.
Coding change: c.2191G>A on transcript NM_001166108.2 (MANE Select); coding-DNA position 2191, G replaced by A.
Protein change: p.Ala731Thr; replaces alanine 731 with threonine.
Molecular consequence: missense variant.
Genome position (GRCh38, 1-based): chr4:168,894,669, G>A. VCF-style: chr4-168894669-G-A. GRCh37 (hg19) VCF-style: chr4-169815820-G-A.
Other names: c.1045G>A, p.Ala349Thr (NM_001166109.2); c.730G>A, p.Ala244Thr (NM_001166110.2); c.70G>A, p.Ala24Thr (NM_001367567.1, NM_001367568.1, NM_001367569.1 and 1 more transcripts); c.2191G>A, p.Ala731Thr (NM_016081.4); short protein forms A24T, A349T, A731T, A244T.
Identifiers: ClinVar variation 3304057 (VCV003304057.1).